The following is an entry in ClinVar:

NM_001039958.2(MESP2):c.682G>A (p.Gly228Arg)

Gene: MESP2 (mesoderm posterior bHLH transcription factor 2; plus strand). Cytogenetic location: 15q26.1.
Variant type: single nucleotide variant.
Coding change: c.682G>A on transcript NM_001039958.2 (MANE Select); coding-DNA position 682, G replaced by A.
Protein change: p.Gly228Arg; replaces glycine 228 with arginine.
Molecular consequence: missense variant.
Genome position (GRCh38, 1-based): chr15:89,777,039, G>A. VCF-style: chr15-89777039-G-A. GRCh37 (hg19) VCF-style: chr15-90320270-G-A.
Other names: short protein forms G228R.
Identifiers: ClinVar variation 886400 (VCV000886400.5), dbSNP rs764972465, ClinGen allele CA7730485.

ClinVar aggregate classification (germline): Uncertain significance. Review status: criteria provided, multiple submitters, no conflicts (2 of 4 stars). 2 submissions from 2 submitters: Uncertain significance (2). Last evaluated 2022-06-24.

Conditions:
Spondylocostal dysostosis 2, autosomal recessive (SCDO2). Also called: Spondylocostal dysostosis type 2; MESP2-Related Spondylocostal Dysostosis, Autosomal Recessive. Identifiers: Orphanet 2311, MedGen C1837549, MONDO:0012097, OMIM 608681.

Allele frequency attached by ClinVar (database versions not stated): gnomAD 0.00001; gnomAD exomes 0.00001; TOPMed 0.00001; ExAC 0.00002.

Submissions (2):

Labcorp Genetics (formerly Invitae), Labcorp
Classification: Uncertain significance. Last evaluated: 2022-06-24. Review status: criteria provided, single submitter. Criteria: Invitae Variant Classification Sherloc (09022015). Collection method: clinical testing. Allele origin: germline.
Comment: This sequence change replaces glycine, which is neutral and non-polar, with arginine, which is basic and polar, at codon 228 of the MESP2 protein (p.Gly228Arg). This variant is present in population databases (rs764972465, gnomAD 0.02%). This variant has not been reported in the literature in individuals affected with MESP2-related conditions. ClinVar contains an entry for this variant (Variation ID: 886400). Algorithms developed to predict the effect of missense changes on protein structure and function (SIFT, PolyPhen-2, Align-GVGD) all suggest that this variant is likely to be tolerated. Algorithms developed to predict the effect of sequence changes on RNA splicing suggest that this variant may create or strengthen a splice site. In summary, the available evidence is currently insufficient to determine the role of this variant in disease. Therefore, it has been classified as a Variant of Uncertain Significance.

Illumina Laboratory Services, Illumina
Classification: Uncertain significance for Spondylocostal dysostosis 2, autosomal recessive. Last evaluated: 2018-01-13. Review status: criteria provided, single submitter. Criteria: ICSL Variant Classification Criteria 13 December 2019. Collection method: clinical testing. Allele origin: germline.